The following is an entry in ClinVar:

NM_000238.4(KCNH2):c.202T>C (p.Phe68Leu)

Gene: KCNH2 (potassium voltage-gated channel subfamily H member 2; minus strand). Cytogenetic location: 7q36.1.
Variant type: single nucleotide variant.
Coding change: c.202T>C on transcript NM_000238.4 (MANE Select); coding-DNA position 202, T replaced by C.
Protein change: p.Phe68Leu; replaces phenylalanine 68 with leucine.
Molecular consequence: missense variant.
Genome position (GRCh38, 1-based): chr7:150,974,816, A>G on the plus strand (T>C on the coding strand, the complement: KCNH2 is on the minus strand). VCF-style: chr7-150974816-A-G. GRCh37 (hg19) VCF-style: chr7-150671904-A-G.
Other names: p.F68L:TTC>CTC; c.202T>C (LRG_288t1); c.25T>C, p.Phe9Leu (NM_001406755.1); c.202T>C, p.Phe68Leu (NM_172056.3); short protein forms F68L, F9L.
Identifiers: ClinVar variation 67355 (VCV000067355.5), dbSNP rs199473417, ClinGen allele CA006163.

ClinVar aggregate classification (germline): Conflicting classifications of pathogenicity. Review status: criteria provided, conflicting classifications (1 of 4 stars). 3 submissions from 3 submitters: Likely pathogenic (1); Uncertain significance (1). 1 of the submissions does not count toward it. Last evaluated 2021-10-01.

Conditions:
Cardiovascular phenotype. Identifiers: MedGen CN230736.
Familial long QT syndrome (RWS). Also called: Congenital long QT syndrome; Romano-Ward syndrome; VENTRICULAR FIBRILLATION WITH PROLONGED QT INTERVAL. Identifiers: Orphanet 768, MedGen C1141890, MONDO:0019171.

Submissions (3):

Ambry Genetics
Classification: Uncertain significance for Cardiovascular phenotype. Last evaluated: 2021-10-01. Review status: criteria provided, single submitter. Criteria: Ambry Variant Classification Scheme 2023. Collection method: clinical testing. Allele origin: germline.

GeneDx
Classification: Likely pathogenic. Last evaluated: 2014-05-10. Review status: criteria provided, single submitter. Criteria: GeneDx Variant Classification (06012015). Collection method: clinical testing. Allele origin: germline. Affected: yes.
Comment: p.Phe68Leu (TTC>CTC): c.202 T>C in exon 2 of the KCNH2 gene (NM_000238.2)The F68L variant in the KCNH2 gene has been published previously in a single patient with Romano Ward Syndrome (RWS) (Napolitano et al., 2005). The F68L variant was not observed in approximately 6,500 individuals of European and African American ancestry in the NHLBI Exome Sequencing Project, indicating it is not a common benign variant in these populations. The F68L variant is a conservative amino acid substitution, which is not likely to impact secondary protein structure as these residues share similar properties. However, in silico analysis predicts this variant is probably damaging to the protein structure/function. Furthermore, missense mutations in nearby residues (T65P, C66G, L69P, L69Q, H70N) have been reported in association with LQTS, supporting the functional importance of this region of the protein.Therefore, this variant is a strong candidate for a pathogenic mutation, however the possibility that it is a benign variant cannot be excluded. The variant is found in LQT panel(s).

Cardiovascular Biomedical Research Unit, Royal Brompton & Harefield NHS Foundation Trust
No classification provided. Condition: Familial long QT syndrome. Review status: no classification provided. Collection method: literature only. Allele origin: germline. Not counted in ClinVar's aggregate classification.
Comment: This variant has been reported as associated with Long QT syndrome in the following publications (PMID:16414944). This is a literature report, and does not necessarily reflect the clinical interpretation of the Imperial College / Royal Brompton Cardiovascular Genetics laboratory.

Literature cited by the submitters: PubMed 16414944 (cited by Cardiovascular Biomedical Research Unit, Royal Brompton & Harefield NHS Foundation Trust); PubMed 22581653 (cited by Cardiovascular Biomedical Research Unit, Royal Brompton & Harefield NHS Foundation Trust).